The following is an entry in ClinVar:

NM_013266.4(CTNNA3):c.1604G>A (p.Arg535His)

Gene: CTNNA3 (catenin alpha 3; minus strand). Cytogenetic location: 10q21.3.
Variant type: single nucleotide variant.
Coding change: c.1604G>A on transcript NM_013266.4 (MANE Select); coding-DNA position 1604, G replaced by A.
Protein change: p.Arg535His; replaces arginine 535 with histidine.
Molecular consequence: missense variant.
Genome position (GRCh38, 1-based): chr10:66,379,280, C>T on the plus strand (G>A on the coding strand, the complement: CTNNA3 is on the minus strand). VCF-style: chr10-66379280-C-T. GRCh37 (hg19) VCF-style: chr10-68139038-C-T.
Other names: c.1604G>A, p.Arg535His (NM_001127384.3); short protein forms R535H.
Identifiers: ClinVar variation 409018 (VCV000409018.11), dbSNP rs139378888, ClinGen allele CA5519884.

ClinVar aggregate classification (germline): Uncertain significance. Review status: criteria provided, multiple submitters, no conflicts (2 of 4 stars). 2 submissions from 2 submitters: Uncertain significance (2). Last evaluated 2025-01-29.

Conditions:
Arrhythmogenic right ventricular dysplasia 13. Also called: ARRHYTHMOGENIC RIGHT VENTRICULAR CARDIOMYOPATHY 13; Arrhythmogenic right ventricular dysplasia, familial, 13. Identifiers: MedGen C3810138, MONDO:0000908, OMIM 615616.

Allele frequency attached by ClinVar (database versions not stated): TOPMed 0.00006; gnomAD 0.00009; ESP Exome Variant Server 0.00015; 1000 Genomes Project 30x 0.00016; 1000 Genomes Project 0.00020.
gnomAD v4.1: 82 of 1,614,116 alleles (0.0051%); highest among the groups gnomAD compares: Admixed American, 0.0067%; no homozygotes.

Submissions (2):

Labcorp Genetics (formerly Invitae), Labcorp
Classification: Uncertain significance for Arrhythmogenic right ventricular dysplasia 13. Last evaluated: 2025-01-29. Review status: criteria provided, single submitter. Criteria: Invitae Variant Classification Sherloc (09022015). Collection method: clinical testing. Allele origin: germline.
Comment: This sequence change replaces arginine, which is basic and polar, with histidine, which is basic and polar, at codon 535 of the CTNNA3 protein (p.Arg535His). This variant is present in population databases (rs139378888, gnomAD 0.02%). This variant has not been reported in the literature in individuals affected with CTNNA3-related conditions. ClinVar contains an entry for this variant (Variation ID: 409018). Invitae Evidence Modeling of protein sequence and biophysical properties (such as structural, functional, and spatial information, amino acid conservation, physicochemical variation, residue mobility, and thermodynamic stability) indicates that this missense variant is not expected to disrupt CTNNA3 protein function with a negative predictive value of 80%. In summary, the available evidence is currently insufficient to determine the role of this variant in disease. Therefore, it has been classified as a Variant of Uncertain Significance.

Fulgent Genetics
Classification: Uncertain significance for Arrhythmogenic right ventricular dysplasia 13. Last evaluated: 2024-01-16. Review status: criteria provided, single submitter. Criteria: ACMG Guidelines, 2015. Collection method: clinical testing. Allele origin: germline.